The following is an entry in ClinVar:

NM_001122769.3(LCA5):c.459C>T (p.Ala153=)

Gene: LCA5 (lebercilin LCA5; minus strand). Cytogenetic location: 6q14.1.
Variant type: single nucleotide variant.
Coding change: c.459C>T on transcript NM_001122769.3 (MANE Select); coding-DNA position 459, C replaced by T.
Protein change: p.Ala153=; no amino-acid change (alanine 153 retained).
Molecular consequence: synonymous variant.
Genome position (GRCh38, 1-based): chr6:79,513,473, G>A on the plus strand (C>T on the coding strand, the complement: LCA5 is on the minus strand). VCF-style: chr6-79513473-G-A. GRCh37 (hg19) VCF-style: chr6-80223190-G-A.
Other names: c.459C>T, p.Ala153= (NM_181714.4); c.459C>T (NM_181714.3).
Identifiers: ClinVar variation 1099330 (VCV001099330.12), dbSNP rs112915515, ClinGen allele CA3901118.
Genomic context (GRCh38, chr6:79,513,473, plus strand): 5'-TTCTTTGAGTGCTGTAATCTCATTGTTATGACGAAATATAAGTTGTGAGATTTCATTTTC[G>A]GCATCTTCAAACTTATTCAGGGCTTTCTCCTGTCTGTACTGAAGCCTTTTCAAAGATTTA-3'
Protein context (NP_001116241.1, residues 143-163): QEKALNKFED[Ala153=]ENEISQLIFR

ClinVar aggregate classification (germline): Likely benign. Review status: criteria provided, multiple submitters, no conflicts (2 of 4 stars). 3 submissions from 3 submitters: Likely benign (2). 1 of the submissions does not count toward it. Last evaluated 2026-01-19.

Conditions:
LCA5-related disorder. Also called: LCA5-related condition.

Allele frequency attached by ClinVar (database versions not stated): gnomAD 0.00005 and 0.00007; TOPMed 0.00005; ESP Exome Variant Server 0.00008; ExAC 0.00011; gnomAD exomes 0.00013; 1000 Genomes Project 30x 0.00016; 1000 Genomes Project 0.00020.
gnomAD v4.1: 125 of 1,613,482 alleles (0.0077%); highest among the groups gnomAD compares: South Asian, 0.094%; no homozygotes.

Submissions (3):

Labcorp Genetics (formerly Invitae), Labcorp
Classification: Likely benign. Last evaluated: 2026-01-19. Review status: criteria provided, single submitter. Criteria: Invitae Variant Classification Sherloc (09022015). Collection method: clinical testing. Allele origin: germline.

Blueprint Genetics
Classification: Likely benign. Last evaluated: 2019-08-12. Review status: criteria provided, single submitter. Criteria: ACMG Guidelines, 2015. Collection method: clinical testing. Allele origin: germline.

PreventionGenetics, part of Exact Sciences
Classification: Likely benign for LCA5-related condition. Last evaluated: 2019-04-25. Review status: no assertion criteria provided. Collection method: clinical testing. Allele origin: germline. Not counted in ClinVar's aggregate classification.
Comment: This variant is classified as likely benign based on ACMG/AMP sequence variant interpretation guidelines (Richards et al. 2015 PMID: 25741868, with internal and published modifications).